The following is an entry in ClinVar:

ClinVar aggregate classification (germline): Benign. Review status: criteria provided, multiple submitters, no conflicts (2 of 4 stars). 3 submissions from 3 submitters: Benign (3). Last evaluated 2023-11-14.

Allele frequency attached by ClinVar (database versions not stated): 1000 Genomes Project 0.46326; 1000 Genomes Project 30x 0.47299; gnomAD exomes 0.48669; gnomAD 0.52921 and 0.54263; TOPMed 0.53388.
gnomAD v4.1: 758,169 of 1,547,492 alleles (49%); highest among the groups gnomAD compares: African/African-American, 62%; 190,212 homozygotes.

Submissions (3):

Unidad de Genómica Garrahan, Hospital de Pediatría Garrahan
Classification: Benign. Last evaluated: 2023-11-14. Review status: criteria provided, single submitter. Criteria: ACMG Guidelines, 2015. Collection method: clinical testing. Allele origin: germline. Affected: no. Observed: 51 variant alleles.
Comment: This variant is classified as Benign based on local population frequency. This variant was detected in 53% of patients studied by a panel of primary immunodeficiencies. Number of patients: 51. Only high quality variants are reported.

GeneDx
Classification: Benign. Last evaluated: 2018-07-07. Review status: criteria provided, single submitter. Criteria: GeneDx Variant Classification Process June 2021. Collection method: clinical testing. Allele origin: germline. Affected: yes.

Breakthrough Genomics
Classification: Benign. Review status: criteria provided, single submitter. Criteria: ACMG Guidelines, 2015. Collection method: not provided. Allele origin: germline. Inheritance: Autosomal recessive inheritance. Affected: yes.

NM_001079.4(ZAP70):c.1289+67T>C

Gene: ZAP70 (zeta chain of T cell receptor associated protein kinase 70; plus strand). Cytogenetic location: 2q11.2.
Variant type: single nucleotide variant.
Coding change: c.1289+67T>C on transcript NM_001079.4 (MANE Select); 67 bases into the intron after coding-DNA position 1289, T replaced by C.
Molecular consequence: intron variant.
Genome position (GRCh38, 1-based): chr2:97,735,523, T>C. VCF-style: chr2-97735523-T-C. GRCh37 (hg19) VCF-style: chr2-98351986-T-C.
Other names: c.1289+67T>C (NM_001378594.1); c.368+67T>C (NM_207519.2).
Identifiers: ClinVar variation 1290310 (VCV001290310.5), dbSNP rs13002912, ClinGen allele CA11075898.